The following is an entry in ClinVar:

ClinVar aggregate classification (germline): Uncertain significance (1 of 4 stars; one submission).

Conditions:
Inborn genetic diseases. Identifiers: MedGen C0950123, MeSH D030342.

gnomAD v4.1: 1 of 1,614,200 alleles (0.000062%); highest among the groups gnomAD compares: Non-Finnish European, 0.000085%; no homozygotes.

Submission:

Ambry Genetics
Classification: Uncertain significance for Inborn genetic diseases. Last evaluated: 2025-05-04. Review status: criteria provided, single submitter. Criteria: Ambry Variant Classification Scheme 2023. Collection method: clinical testing. Allele origin: germline.
Comment: The p.Q267P variant (also known as c.800A>C), located in coding exon 7 of the BUB1B gene, results from an A to C substitution at nucleotide position 800. The glutamine at codon 267 is replaced by proline, an amino acid with similar properties. This amino acid position is conserved. In addition, this alteration is predicted to be tolerated by in silico analysis. Based on the available evidence, the clinical significance of this variant remains unclear.

NM_001211.6(BUB1B):c.800A>C (p.Gln267Pro)

Gene: BUB1B (BUB1 mitotic checkpoint serine/threonine kinase B; plus strand). Cytogenetic location: 15q15.1.
Variant type: single nucleotide variant.
Coding change: c.800A>C on transcript NM_001211.6 (MANE Select); coding-DNA position 800, A replaced by C.
Protein change: p.Gln267Pro; replaces glutamine 267 with proline.
Molecular consequence: missense variant.
Genome position (GRCh38, 1-based): chr15:40,185,213, A>C. VCF-style: chr15-40185213-A-C. GRCh37 (hg19) VCF-style: chr15-40477414-A-C.
Other names: short protein forms Q267P.
Identifiers: ClinVar variation 3993715 (VCV003993715.1).